The following is an entry in ClinVar:

NM_000262.3(NAGA):c.822G>A (p.Thr274=)

Gene: NAGA (alpha-N-acetylgalactosaminidase; minus strand). Cytogenetic location: 22q13.2.
Variant type: single nucleotide variant.
Coding change: c.822G>A on transcript NM_000262.3 (MANE Select); coding-DNA position 822, G replaced by A.
Protein change: p.Thr274=; no amino-acid change (threonine 274 retained).
Molecular consequence: synonymous variant.
Genome position (GRCh38, 1-based): chr22:42,062,962, C>T on the plus strand (G>A on the coding strand, the complement: NAGA is on the minus strand). VCF-style: chr22-42062962-C-T. GRCh37 (hg19) VCF-style: chr22-42458966-C-T.
Other names: c.822G>A, p.Thr274= (NM_001362848.1, NM_001362850.1).
Identifiers: ClinVar variation 1389640 (VCV001389640.19), dbSNP rs765604983, ClinGen allele CA10263677.

ClinVar aggregate classification (germline): Likely benign. Review status: criteria provided, multiple submitters, no conflicts (2 of 4 stars). 2 submissions from 2 submitters: Likely benign (2). Last evaluated 2025-10-02.

Conditions:
Alpha-N-acetylgalactosaminidase deficiency type 1. Also called: SCHINDLER DISEASE, TYPE I; ALPHA-N-ACETYLGALACTOSAMINIDASE DEFICIENCY, TYPE I; NAGA DEFICIENCY, TYPE I; NEUROAXONAL DYSTROPHY, SCHINDLER TYPE. Identifiers: Orphanet 3137, Orphanet 79279, Orphanet 79281, MedGen C1836544, MONDO:0012221, OMIM 609241.

Allele frequency attached by ClinVar (database versions not stated): TOPMed below 0.00001; ExAC 0.00001; gnomAD 0.00001; gnomAD exomes 0.00001.
gnomAD v4.1: 20 of 1,614,184 alleles (0.0012%); highest among the groups gnomAD compares: Non-Finnish European, 0.0016%; no homozygotes.

Submissions (2):

Labcorp Genetics (formerly Invitae), Labcorp
Classification: Likely benign for Alpha-N-acetylgalactosaminidase deficiency type 1. Last evaluated: 2025-10-02. Review status: criteria provided, single submitter. Criteria: Invitae Variant Classification Sherloc (09022015). Collection method: clinical testing. Allele origin: germline.

CeGaT Center for Human Genetics Tuebingen
Classification: Likely benign. Last evaluated: 2025-02-01. Review status: criteria provided, single submitter. Criteria: CeGaT Center For Human Genetics Tuebingen Variant Classification Criteria Version 2. Collection method: clinical testing. Allele origin: germline. Affected: yes. Observed: 1 variant allele.
Comment: NAGA: BP4, BP7